The following is an entry in ClinVar:

ClinVar aggregate classification (germline): Uncertain significance. Review status: criteria provided, multiple submitters, no conflicts (2 of 4 stars). 2 submissions from 2 submitters: Uncertain significance (2). Last evaluated 2025-06-16.

Conditions:
Inborn genetic diseases. Identifiers: MedGen C0950123, MeSH D030342.
Baller-Gerold syndrome (BGS). Also called: CRANIOSYNOSTOSIS WITH RADIAL DEFECTS. Identifiers: Orphanet 1225, MedGen C0265308, MONDO:0009039, OMIM 218600.

Allele frequency attached by ClinVar (database versions not stated): gnomAD 0.00001 and 0.00002; gnomAD exomes 0.00001 and 0.00002; ExAC 0.00003; 1000 Genomes Project 0.00040; 1000 Genomes Project 30x 0.00062.
gnomAD v4.1: 13 of 1,612,680 alleles (0.00081%); highest among the groups gnomAD compares: Non-Finnish European, 0.0011%; no homozygotes.

Submissions (2):

Labcorp Genetics (formerly Invitae), Labcorp
Classification: Uncertain significance for Baller-Gerold syndrome. Last evaluated: 2025-06-16. Review status: criteria provided, single submitter. Criteria: Invitae Variant Classification Sherloc (09022015). Collection method: clinical testing. Allele origin: germline.
Comment: This sequence change replaces aspartic acid, which is acidic and polar, with glycine, which is neutral and non-polar, at codon 349 of the RECQL4 protein (p.Asp349Gly). This variant is present in population databases (rs566907631, gnomAD 0.005%). This variant has not been reported in the literature in individuals affected with RECQL4-related conditions. ClinVar contains an entry for this variant (Variation ID: 459294). Invitae Evidence Modeling of protein sequence and biophysical properties (such as structural, functional, and spatial information, amino acid conservation, physicochemical variation, residue mobility, and thermodynamic stability) indicates that this missense variant is not expected to disrupt RECQL4 protein function with a negative predictive value of 80%. In summary, the available evidence is currently insufficient to determine the role of this variant in disease. Therefore, it has been classified as a Variant of Uncertain Significance.

Ambry Genetics
Classification: Uncertain significance for Inborn genetic diseases. Last evaluated: 2024-11-21. Review status: criteria provided, single submitter. Criteria: Ambry Variant Classification Scheme 2023. Collection method: clinical testing. Allele origin: germline.
Comment: The p.D349G variant (also known as c.1046A>G), located in coding exon 5 of the RECQL4 gene, results from an A to G substitution at nucleotide position 1046. The aspartic acid at codon 349 is replaced by glycine, an amino acid with similar properties. This amino acid position is conserved. In addition, the in silico prediction for this alteration is inconclusive. Based on the available evidence, the clinical significance of this variant remains unclear.

NM_004260.4(RECQL4):c.1046A>G (p.Asp349Gly)

Gene: RECQL4 (RecQ like helicase 4; minus strand). Cytogenetic location: 8q24.3.
Variant type: single nucleotide variant.
Coding change: c.1046A>G on transcript NM_004260.4 (MANE Select); coding-DNA position 1046, A replaced by G.
Protein change: p.Asp349Gly; replaces aspartic acid 349 with glycine.
Molecular consequence: missense variant.
Genome position (GRCh38, 1-based): chr8:144,516,073, T>C on the plus strand (A>G on the coding strand, the complement: RECQL4 is on the minus strand). VCF-style: chr8-144516073-T-C. GRCh37 (hg19) VCF-style: chr8-145741457-T-C.
Other names: short protein forms D349G.
Identifiers: ClinVar variation 459294 (VCV000459294.8), dbSNP rs566907631, ClinGen allele CA4949098.